The following is an entry in ClinVar:

NM_152419.3(HGSNAT):c.1021dup (p.Asp341fs)

Gene: HGSNAT (heparan-alpha-glucosaminide N-acetyltransferase; plus strand). Cytogenetic location: 8p11.21.
Variant type: Duplication.
Coding change: c.1021dup on transcript NM_152419.3 (MANE Select); coding-DNA position 1021, one base duplicated (G; older notation c.1021dupG).
Protein change: p.Asp341fs; shifts the reading frame from aspartic acid 341.
Molecular consequence: frameshift variant.
Genome position (GRCh38, 1-based): chr8:43,182,153, G duplicated; the last of 3 consecutive G bases (chr8:43,182,151-43,182,153); duplicating any one gives the same sequence. VCF-style (leftmost placement, unchanged base first): chr8-43182150-T-TG. GRCh37 (hg19) VCF-style: chr8-43037293-T-TG.
Other names: c.1021dup, p.Asp341fs (NM_001363227.2); c.829dup, p.Asp277fs (NM_001363228.2); c.157dup, p.Asp53fs (NM_001363229.2); short protein forms D277fs, D341fs, D53fs.
Identifiers: ClinVar variation 3755566 (VCV003755566.2).

ClinVar aggregate classification (germline): Pathogenic (1 of 4 stars; one submission).

Conditions:
Mucopolysaccharidosis, MPS-III-C (MPS3C). Also called: SANFILIPPO SYNDROME C; MPS III C; Mucopolysaccharidosis type IIIC (Sanfilippo C); mucopolysaccharidosis type 3C; MUCOPOLYSACCHARIDOSIS, TYPE IIIC; MPS IIIC (Sanfilippo Syndrome Type C). Identifiers: Orphanet 581, Orphanet 79271, MedGen C0086649, MONDO:0009657, OMIM 252930.
Retinitis pigmentosa 73 (RP73). Identifiers: Orphanet 791, MedGen C4225287, MONDO:0014687, OMIM 616544.

Submission:

Labcorp Genetics (formerly Invitae), Labcorp
Classification: Pathogenic for Retinitis pigmentosa 73; Mucopolysaccharidosis, MPS-III-C. Last evaluated: 2024-03-28. Review status: criteria provided, single submitter. Criteria: Invitae Variant Classification Sherloc (09022015). Collection method: clinical testing. Allele origin: germline.
Comment: This sequence change creates a premature translational stop signal (p.Asp341Glyfs*28) in the HGSNAT gene. It is expected to result in an absent or disrupted protein product. Loss-of-function variants in HGSNAT are known to be pathogenic (PMID: 17033958, 19479962). This variant is not present in population databases (gnomAD no frequency). This variant has not been reported in the literature in individuals affected with HGSNAT-related conditions. For these reasons, this variant has been classified as Pathogenic.

Literature cited by the submitters: PubMed 17033958; PubMed 19479962.